The following is an entry in ClinVar:

NM_004606.5(TAF1):c.2636C>G (p.Ala879Gly)

Gene: TAF1 (TATA-box binding protein associated factor 1; plus strand). Cytogenetic location: Xq13.1.
Variant type: single nucleotide variant.
Coding change: c.2636C>G on transcript NM_004606.5 (MANE Select); coding-DNA position 2636, C replaced by G.
Protein change: p.Ala879Gly; replaces alanine 879 with glycine.
Molecular consequence: missense variant. On other transcripts: non-coding transcript variant (9).
Genome position (GRCh38, 1-based): chrX:71,388,804, C>G. VCF-style: chrX-71388804-C-G. GRCh37 (hg19) VCF-style: chrX-70608654-C-G.
Other names: c.2636C>G, p.Ala879Gly (NM_001286074.2); c.2573C>G, p.Ala858Gly (NM_138923.4); short protein forms A858G, A879G.
Identifiers: ClinVar variation 3370245 (VCV003370245.1).

ClinVar aggregate classification (germline): Uncertain significance (1 of 4 stars; one submission).

gnomAD v4.1: 1 of 1,211,670 alleles (0.000083%); highest among the groups gnomAD compares: Non-Finnish European, 0.00011%; no homozygotes.

Submission:

GeneDx
Classification: Uncertain significance. Last evaluated: 2023-12-22. Review status: criteria provided, single submitter. Criteria: GeneDx Variant Classification Process June 2021. Collection method: clinical testing. Allele origin: germline. Affected: yes.
Comment: Not observed at significant frequency in large population cohorts (gnomAD); In silico analysis supports that this missense variant has a deleterious effect on splicing; In silico analysis supports that this missense variant has a deleterious effect on protein structure/function; Has not been previously published as pathogenic or benign to our knowledge